The following is an entry in ClinVar:

ClinVar aggregate classification (germline): Uncertain significance. Review status: criteria provided, multiple submitters, no conflicts (2 of 4 stars). 2 submissions from 2 submitters: Uncertain significance (2). Last evaluated 2025-05-27.

Conditions:
Inborn genetic diseases. Identifiers: MedGen C0950123, MeSH D030342.

gnomAD v4.1: 3 of 1,613,438 alleles (0.00019%); highest among the groups gnomAD compares: Middle Eastern, 0.016%; no homozygotes.

Submissions (2):

Labcorp Genetics (formerly Invitae), Labcorp
Classification: Uncertain significance. Last evaluated: 2025-05-27. Review status: criteria provided, single submitter. Criteria: Invitae Variant Classification Sherloc (09022015). Collection method: clinical testing. Allele origin: germline.
Comment: This sequence change replaces isoleucine, which is neutral and non-polar, with valine, which is neutral and non-polar, at codon 1054 of the MPDZ protein (p.Ile1054Val). This variant is not present in population databases (gnomAD no frequency). This variant has not been reported in the literature in individuals affected with MPDZ-related conditions. ClinVar contains an entry for this variant (Variation ID: 3874102). An algorithm developed to predict the effect of missense changes on protein structure and function (PolyPhen-2) suggests that this variant is likely to be tolerated. In summary, the available evidence is currently insufficient to determine the role of this variant in disease. Therefore, it has been classified as a Variant of Uncertain Significance.

Ambry Genetics
Classification: Uncertain significance for Inborn genetic diseases. Last evaluated: 2024-12-16. Review status: criteria provided, single submitter. Criteria: Ambry Variant Classification Scheme 2023. Collection method: clinical testing. Allele origin: germline.

NM_001378778.1(MPDZ):c.3160A>G (p.Ile1054Val)

Gene: MPDZ (multiple PDZ domain crumbs cell polarity complex component; minus strand). Cytogenetic location: 9p23.
Variant type: single nucleotide variant.
Coding change: c.3160A>G on transcript NM_001378778.1 (MANE Select); coding-DNA position 3160, A replaced by G.
Protein change: p.Ile1054Val; replaces isoleucine 1054 with valine.
Molecular consequence: missense variant.
Genome position (GRCh38, 1-based): chr9:13,168,460, T>C on the plus strand (A>G on the coding strand, the complement: MPDZ is on the minus strand). VCF-style: chr9-13168460-T-C. GRCh37 (hg19) VCF-style: chr9-13168459-T-C.
Other names: c.3160A>G, p.Ile1054Val (NM_001261406.2, NM_001261407.2, NM_001330637.2 and 14 more transcripts); short protein forms I1054V.
Identifiers: ClinVar variation 3874102 (VCV003874102.2).